The following is an entry in ClinVar:

NM_015512.5(DNAH1):c.6377G>A (p.Ser2126Asn)

Gene: DNAH1 (dynein axonemal heavy chain 1; plus strand). Cytogenetic location: 3p21.1.
Variant type: single nucleotide variant.
Coding change: c.6377G>A on transcript NM_015512.5 (MANE Select); coding-DNA position 6377, G replaced by A.
Protein change: p.Ser2126Asn; replaces serine 2126 with asparagine.
Molecular consequence: missense variant.
Genome position (GRCh38, 1-based): chr3:52,370,595, G>A. VCF-style: chr3-52370595-G-A. GRCh37 (hg19) VCF-style: chr3-52404611-G-A.
Other names: short protein forms S2126N.
Identifiers: ClinVar variation 1363534 (VCV001363534.8), dbSNP rs2153224717, ClinGen allele CA353160268.

ClinVar aggregate classification (germline): Uncertain significance (1 of 4 stars; one submission).

Conditions:
Spermatogenic failure 18. Identifiers: MedGen C4539783, MONDO:0054615, OMIM 617576.
Ciliary dyskinesia, primary, 37 (CILD37). Also called: CILIARY DYSKINESIA, PRIMARY, 37, WITH OR WITHOUT SITUS INVERSUS. Identifiers: MedGen C4539798, MONDO:0033204, OMIM 617577.

Submission:

Labcorp Genetics (formerly Invitae), Labcorp
Classification: Uncertain significance for Ciliary dyskinesia, primary, 37; Spermatogenic failure 18. Last evaluated: 2021-06-24. Review status: criteria provided, single submitter. Criteria: Invitae Variant Classification Sherloc (09022015). Collection method: clinical testing. Allele origin: germline.
Comment: In summary, the available evidence is currently insufficient to determine the role of this variant in disease. Therefore, it has been classified as a Variant of Uncertain Significance. Algorithms developed to predict the effect of missense changes on protein structure and function output the following: SIFT: "Tolerated"; PolyPhen-2: "Benign"; Align-GVGD: "Class C0". The asparagine amino acid residue is found in multiple mammalian species, suggesting that this missense change does not adversely affect protein function. These predictions have not been confirmed by published functional studies and their clinical significance is uncertain. This variant has not been reported in the literature in individuals with DNAH1-related conditions. This variant is not present in population databases (ExAC no frequency). This sequence change replaces serine with asparagine at codon 2126 of the DNAH1 protein (p.Ser2126Asn). The serine residue is weakly conserved and there is a small physicochemical difference between serine and asparagine.